The following is an entry in ClinVar:

ClinVar aggregate classification (germline): Uncertain significance (1 of 4 stars; one submission).

Conditions:
Cardiovascular phenotype. Identifiers: MedGen CN230736.

Allele frequency attached by ClinVar (database versions not stated): gnomAD exomes below 0.00001; ExAC 0.00001; gnomAD 0.00001; TOPMed 0.00002.
gnomAD v4.1: 8 of 1,613,988 alleles (0.0005%); highest among the groups gnomAD compares: Non-Finnish European, 0.00068%; no homozygotes.

Submission:

Ambry Genetics
Classification: Uncertain significance for Cardiovascular phenotype. Last evaluated: 2025-04-19. Review status: criteria provided, single submitter. Criteria: Ambry Variant Classification Scheme 2023. Collection method: clinical testing. Allele origin: germline.
Comment: The p.L336P variant (also known as c.1007T>C), located in coding exon 1 of the CHST14 gene, results from a T to C substitution at nucleotide position 1007. The leucine at codon 336 is replaced by proline, an amino acid with similar properties. This amino acid position is conserved. In addition, this alteration is predicted to be deleterious by in silico analysis. Since supporting evidence is limited at this time, the clinical significance of this alteration remains unclear.

NM_130468.4(CHST14):c.1007T>C (p.Leu336Pro)

Gene: CHST14 (carbohydrate sulfotransferase 14; plus strand). Cytogenetic location: 15q15.1.
Variant type: single nucleotide variant.
Coding change: c.1007T>C on transcript NM_130468.4 (MANE Select); coding-DNA position 1007, T replaced by C.
Protein change: p.Leu336Pro; replaces leucine 336 with proline.
Molecular consequence: missense variant.
Genome position (GRCh38, 1-based): chr15:40,472,220, T>C. VCF-style: chr15-40472220-T-C. GRCh37 (hg19) VCF-style: chr15-40764419-T-C.
Other names: short protein forms L336P.
Identifiers: ClinVar variation 2447073 (VCV002447073.3), dbSNP rs758949864, ClinGen allele CA7481684.